The following is an entry in ClinVar:

ClinVar aggregate classification (germline): Uncertain significance (1 of 4 stars; one submission).

Conditions:
Familial sleep-related hypermotor epilepsy. Also called: Autosomal Dominant Sleep-Related Hypermotor (Hyperkinetic) Epilepsy. Identifiers: Orphanet 98784, MedGen C3696898, MONDO:0000030.

Submission:

Labcorp Genetics (formerly Invitae), Labcorp
Classification: Uncertain significance. Last evaluated: 2025-01-14. Review status: criteria provided, single submitter. Criteria: Invitae Variant Classification Sherloc (09022015). Collection method: clinical testing. Allele origin: germline.
Comment: This sequence change replaces lysine, which is basic and polar, with glutamine, which is neutral and polar, at codon 222 of the CHRNA4 protein (p.Lys222Gln). This variant is not present in population databases (gnomAD no frequency). This variant has not been reported in the literature in individuals affected with CHRNA4-related conditions. Invitae Evidence Modeling of protein sequence and biophysical properties (such as structural, functional, and spatial information, amino acid conservation, physicochemical variation, residue mobility, and thermodynamic stability) has been performed for this missense variant. However, the output from this modeling did not meet the statistical confidence thresholds required to predict the impact of this variant on CHRNA4 protein function. In summary, the available evidence is currently insufficient to determine the role of this variant in disease. Therefore, it has been classified as a Variant of Uncertain Significance.

NM_000744.7(CHRNA4):c.664A>C (p.Lys222Gln)

Gene: CHRNA4 (cholinergic receptor nicotinic alpha 4 subunit; minus strand). Cytogenetic location: 20q13.33.
Variant type: single nucleotide variant.
Coding change: c.664A>C on transcript NM_000744.7 (MANE Select); coding-DNA position 664, A replaced by C.
Protein change: p.Lys222Gln; replaces lysine 222 with glutamine.
Molecular consequence: missense variant. On other transcripts: non-coding transcript variant (1).
Genome position (GRCh38, 1-based): chr20:63,350,747, T>G on the plus strand (A>C on the coding strand, the complement: CHRNA4 is on the minus strand). VCF-style: chr20-63350747-T-G. GRCh37 (hg19) VCF-style: chr20-61982099-T-G.
Other names: c.136A>C, p.Lys46Gln (NM_001256573.2); short protein forms K46Q, K222Q.
Identifiers: ClinVar variation 3716550 (VCV003716550.2).
Genomic context (GRCh38, chr20:63,350,747, plus strand): 5'-GCCGCCGGATGACGAAGGCATAGGTGATGTCCGGGTAGATCTCGGCACAGCACTCGTACT[T>G]CCTGGTGTTGTAGGTGCCCACGGCATCCACGATGACCCACTCGCCACTCTCCCAGAAGTC-3'
Protein context (NP_000735.1, residues 212-232): VDAVGTYNTR[Lys222Gln]YECCAEIYPD